The following is an entry in ClinVar:

NM_001297.5(CNGB1):c.1822G>A (p.Glu608Lys)

Gene: CNGB1 (cyclic nucleotide gated channel subunit beta 1; minus strand). Cytogenetic location: 16q21.
Variant type: single nucleotide variant.
Coding change: c.1822G>A on transcript NM_001297.5 (MANE Select); coding-DNA position 1822, G replaced by A.
Protein change: p.Glu608Lys; replaces glutamic acid 608 with lysine.
Molecular consequence: missense variant.
Genome position (GRCh38, 1-based): chr16:57,919,234, C>T on the plus strand (G>A on the coding strand, the complement: CNGB1 is on the minus strand). VCF-style: chr16-57919234-C-T. GRCh37 (hg19) VCF-style: chr16-57953138-C-T.
Other names: c.1804G>A, p.Glu602Lys (NM_001286130.2); short protein forms E608K, E602K.
Identifiers: ClinVar variation 1381414 (VCV001381414.4), dbSNP rs772949180, ClinGen allele CA8083265.

ClinVar aggregate classification (germline): Uncertain significance (1 of 4 stars; one submission).

Allele frequency attached by ClinVar (database versions not stated): ExAC 0.00002; gnomAD exomes 0.00001.
gnomAD v4.1: 10 of 1,614,084 alleles (0.00062%); highest among the groups gnomAD compares: Non-Finnish European, 0.00085%; no homozygotes.

Submission:

Labcorp Genetics (formerly Invitae), Labcorp
Classification: Uncertain significance. Last evaluated: 2021-12-04. Review status: criteria provided, single submitter. Criteria: Invitae Variant Classification Sherloc (09022015). Collection method: clinical testing. Allele origin: germline.
Comment: In summary, the available evidence is currently insufficient to determine the role of this variant in disease. Therefore, it has been classified as a Variant of Uncertain Significance. Advanced modeling of protein sequence and biophysical properties (such as structural, functional, and spatial information, amino acid conservation, physicochemical variation, residue mobility, and thermodynamic stability) performed at Invitae indicates that this missense variant is not expected to disrupt CNGB1 protein function. This variant has not been reported in the literature in individuals affected with CNGB1-related conditions. This variant is present in population databases (rs772949180, gnomAD 0.002%). This sequence change replaces glutamic acid, which is acidic and polar, with lysine, which is basic and polar, at codon 608 of the CNGB1 protein (p.Glu608Lys).